The following is an entry in ClinVar:

NM_000384.3(APOB):c.11470C>T (p.Gln3824Ter)

Gene: APOB (apolipoprotein B; minus strand). Cytogenetic location: 2p24.1.
Variant type: single nucleotide variant.
Coding change: c.11470C>T on transcript NM_000384.3 (MANE Select); coding-DNA position 11470, C replaced by T.
Protein change: p.Gln3824Ter; replaces glutamine 3824 with a stop codon.
Molecular consequence: nonsense.
Genome position (GRCh38, 1-based): chr2:21,005,398, G>A on the plus strand (C>T on the coding strand, the complement: APOB is on the minus strand). VCF-style: chr2-21005398-G-A. GRCh37 (hg19) VCF-style: chr2-21228270-G-A.
Other names: short protein forms Q3824*.
Identifiers: ClinVar variation 4792430 (VCV004792430.1).

ClinVar aggregate classification (germline): Pathogenic (1 of 4 stars; one submission).

Conditions:
Familial hypobetalipoproteinemia 1. Also called: Hypobetalipoproteinemia, normotriglyceridemic; Acanthocytosis with hypobetalipoproteinemia; APOB-Related Familial Hypobetalipoproteinemia. Identifiers: MedGen C4551990, MONDO:0014252, OMIM 615558.
Hypercholesterolemia, autosomal dominant, type B (FHCL2). Also called: Familial Hypercholesterolemia Type B; APOLIPOPROTEIN B-100, FAMILIAL DEFECTIVE; APOLIPOPROTEIN B-100, FAMILIAL LIGAND-DEFECTIVE; HYPERCHOLESTEROLEMIA, FAMILIAL, DUE TO LIGAND-DEFECTIVE APOLIPOPROTEIN B; APOB-Related Familial Hypercholesterolemia, Autosomal Dominant; Hyperlipoproteinemia Type IIb. Identifiers: MedGen C1704417, MONDO:0007751, OMIM 144010.

gnomAD v4.1: 1 of 1,614,038 alleles (0.000062%); highest among the groups gnomAD compares: Non-Finnish European, 0.000085%; no homozygotes.

Submission:

Labcorp Genetics (formerly Invitae), Labcorp
Classification: Pathogenic for Familial hypobetalipoproteinemia 1; Hypercholesterolemia, autosomal dominant, type B. Last evaluated: 2025-12-02. Review status: criteria provided, single submitter. Criteria: Invitae Variant Classification Sherloc (09022015). Collection method: clinical testing. Allele origin: germline.
Comment: This sequence change creates a premature translational stop signal (p.Gln3824*) in the APOB gene. It is expected to result in an absent or disrupted protein product. Loss-of-function variants in APOB are known to be pathogenic (PMID: 20032471). This variant is present in population databases (no rsID available, gnomAD 0.0009%). This variant has not been reported in the literature in individuals affected with APOB-related conditions. Algorithms developed to predict the effect of sequence changes on RNA splicing suggest that this variant may create or strengthen a splice site. For these reasons, this variant has been classified as Pathogenic.

Literature cited by the submitters: PubMed 20032471.